The following is an entry in ClinVar:

NM_014384.3(ACAD8):c.522del (p.Ser175fs)

Gene: ACAD8 (acyl-CoA dehydrogenase family member 8; plus strand). Cytogenetic location: 11q25.
Variant type: Deletion.
Coding change: c.522del on transcript NM_014384.3 (MANE Select); coding-DNA position 522, one base deleted (C; older notation c.522delC).
Protein change: p.Ser175fs; shifts the reading frame from serine 175.
Molecular consequence: frameshift variant.
Genome position (GRCh38, 1-based): chr11:134,259,039, C deleted; the last of 2 consecutive C bases (chr11:134,259,038-134,259,039); deleting either gives the same sequence. VCF-style (leftmost placement, unchanged base first): chr11-134259037-AC-A. GRCh37 (hg19) VCF-style: chr11-134128931-AC-A.
Other names: c.522del, p.Ser175fs (NM_001441136.1, NM_001441137.1); c.228del, p.Ser77fs (NM_001441138.1); short protein forms S175fs, S77fs.
Identifiers: ClinVar variation 4748047 (VCV004748047.1).

ClinVar aggregate classification (germline): Pathogenic (1 of 4 stars; one submission).

Conditions:
Deficiency of isobutyryl-CoA dehydrogenase. Also called: ACAD8 DEFICIENCY; ACYL-CoA DEHYDROGENASE FAMILY, MEMBER 8, DEFICIENCY OF; IBD DEFICIENCY. Identifiers: Orphanet 79159, MedGen C1969809, MONDO:0012648, OMIM 611283.

Submission:

Labcorp Genetics (formerly Invitae), Labcorp
Classification: Pathogenic for Deficiency of isobutyryl-CoA dehydrogenase. Last evaluated: 2025-05-02. Review status: criteria provided, single submitter. Criteria: Invitae Variant Classification Sherloc (09022015). Collection method: clinical testing. Allele origin: germline.
Comment: This sequence change creates a premature translational stop signal (p.Ser175Profs*44) in the ACAD8 gene. It is expected to result in an absent or disrupted protein product. Loss-of-function variants in ACAD8 are known to be pathogenic (PMID: 16857760). This variant is present in population databases (rs772440454, gnomAD 0.002%). This variant has not been reported in the literature in individuals affected with ACAD8-related conditions. For these reasons, this variant has been classified as Pathogenic.

Literature cited by the submitters: PubMed 16857760.